The following is an entry in ClinVar:

NM_178822.5(IGSF10):c.5921T>C (p.Met1974Thr)

Gene: IGSF10 (immunoglobulin superfamily member 10; minus strand). Cytogenetic location: 3q25.1.
Variant type: single nucleotide variant.
Coding change: c.5921T>C on transcript NM_178822.5 (MANE Select); coding-DNA position 5921, T replaced by C.
Protein change: p.Met1974Thr; replaces methionine 1974 with threonine.
Molecular consequence: missense variant.
Genome position (GRCh38, 1-based): chr3:151,443,026, A>G on the plus strand (T>C on the coding strand, the complement: IGSF10 is on the minus strand). VCF-style: chr3-151443026-A-G. GRCh37 (hg19) VCF-style: chr3-151160814-A-G.
Other names: c.5921T>C, p.Met1974Thr (NM_001385060.1, NM_001385061.1, NM_001385062.1 and 1 more transcripts); short protein forms M1974T.
Identifiers: ClinVar variation 1487142 (VCV001487142.7), dbSNP rs2108542116, ClinGen allele CA354992521.
Genomic context (GRCh38, chr3:151,443,026, plus strand): 5'-CCAAAGGTATAGACTTACCTATGCTGCTGGTCGACCACAGCCTTGGATGGTAACCTCCAC[A>G]TTATTTGGGGTTTGGGCTCCCCAGTGGCTGAGCAGTTCAGTAGTAATTTGTCCCCAAAAT-3'
Protein context (NP_849144.2, residues 1964-1984): SATGEPKPQI[Met1974Thr]WRLPSKAVVD

ClinVar aggregate classification (germline): Uncertain significance. Review status: criteria provided, multiple submitters, no conflicts (2 of 4 stars). 2 submissions from 2 submitters: Uncertain significance (2). Last evaluated 2022-11-01.

Allele frequency attached by ClinVar (database versions not stated): gnomAD exomes below 0.00001.

Submissions (2):

Labcorp Genetics (formerly Invitae), Labcorp
Classification: Uncertain significance. Last evaluated: 2022-11-01. Review status: criteria provided, single submitter. Criteria: Invitae Variant Classification Sherloc (09022015). Collection method: clinical testing. Allele origin: germline.
Comment: In summary, the available evidence is currently insufficient to determine the role of this variant in disease. Therefore, it has been classified as a Variant of Uncertain Significance. This sequence change replaces methionine, which is neutral and non-polar, with threonine, which is neutral and polar, at codon 1974 of the IGSF10 protein (p.Met1974Thr). This variant is not present in population databases (gnomAD no frequency). This variant has not been reported in the literature in individuals affected with IGSF10-related conditions. ClinVar contains an entry for this variant (Variation ID: 1487142). Algorithms developed to predict the effect of missense changes on protein structure and function are either unavailable or do not agree on the potential impact of this missense change (SIFT: "Deleterious"; PolyPhen-2: "Benign"; Align-GVGD: "Class C0").

Breakthrough Genomics
Classification: Uncertain significance. Review status: criteria provided, single submitter. Criteria: ACMG Guidelines, 2015. Collection method: not provided. Allele origin: germline. Inheritance: Unknown mechanism. Affected: yes.